The following is an entry in ClinVar:

ClinVar aggregate classification (germline): Uncertain significance (1 of 4 stars; one submission).

Conditions:
Early-infantile DEE. Also called: Early infantile epileptic encephalopathy with suppression bursts; Ohtahara syndrome; Early infantile epileptic encephalopathy. Identifiers: Orphanet 1934, MedGen C0393706, MONDO:0800491.

Submission:

Labcorp Genetics (formerly Invitae), Labcorp
Classification: Uncertain significance for Early-infantile DEE. Last evaluated: 2020-12-12. Review status: criteria provided, single submitter. Criteria: Invitae Variant Classification Sherloc (09022015). Collection method: clinical testing. Allele origin: germline.
Comment: In summary, the available evidence is currently insufficient to determine the role of this variant in disease. Therefore, it has been classified as a Variant of Uncertain Significance. Advanced modeling of protein sequence and biophysical properties (such as structural, functional, and spatial information, amino acid conservation, physicochemical variation, residue mobility, and thermodynamic stability) performed at Invitae indicates that this missense variant is expected to disrupt HCN1 protein function. This variant has been observed in individual(s) with clinical features of HCN1-related conditions (Invitae). This variant is not present in population databases (ExAC no frequency). This sequence change replaces valine with methionine at codon 232 of the HCN1 protein (p.Val232Met). The valine residue is highly conserved and there is a small physicochemical difference between valine and methionine.

NM_021072.4(HCN1):c.694G>A (p.Val232Met)

Gene: HCN1 (hyperpolarization activated cyclic nucleotide gated potassium channel 1; minus strand). Cytogenetic location: 5p12.
Variant type: single nucleotide variant.
Coding change: c.694G>A on transcript NM_021072.4 (MANE Select); coding-DNA position 694, G replaced by A.
Protein change: p.Val232Met; replaces valine 232 with methionine.
Molecular consequence: missense variant.
Genome position (GRCh38, 1-based): chr5:45,645,340, C>T on the plus strand (G>A on the coding strand, the complement: HCN1 is on the minus strand). VCF-style: chr5-45645340-C-T. GRCh37 (hg19) VCF-style: chr5-45645442-C-T.
Other names: short protein forms V232M.
Identifiers: ClinVar variation 999507 (VCV000999507.9), dbSNP rs1745529492, ClinGen allele CA359707326.